The following is an entry in ClinVar:

NM_001105206.3(LAMA4):c.3247_3248delinsAT (p.Ala1083Ile)

Gene: LAMA4 (laminin subunit alpha 4; minus strand). Cytogenetic location: 6q21.
Variant type: Indel.
Coding change: c.3247_3248delinsAT on transcript NM_001105206.3 (MANE Select); coding-DNA positions 3247 to 3248, GC replaced by AT.
Protein change: p.Ala1083Ile; replaces alanine 1083 with isoleucine.
Molecular consequence: missense variant.
Genome position (GRCh38, 1-based): chr6:112,139,154-112,139,155, GC replaced by AT on the plus strand (GC replaced by AT on the coding strand, the reverse complement: LAMA4 is on the minus strand). VCF-style: chr6-112139154-GC-AT. GRCh37 (hg19) VCF-style: chr6-112460356-GC-AT.
Other names: c.3226_3227delinsAT, p.Ala1076Ile (NM_001105207.3, NM_002290.5); short protein forms A1083I, A1076I.
Identifiers: ClinVar variation 4725197 (VCV004725197.1).
Genomic context (GRCh38, chr6:112,139,154, plus strand): 5'-GTAGTAGGACTTGTATTTTTACTCACTCCATTGACCATCAGGAGAATAAGGCCGTTGTCA[GC>AT]TGGTGTTCGAACTTCTATGTCAAAGCGAGTCACCTGACCAAATTTCCCTCTCCTTGTGAT-3'
Protein context (NP_001098676.2, residues 1073-1093): TRFDIEVRTP[Ala1083Ile]DNGLILLMVN

ClinVar aggregate classification (germline): Uncertain significance (1 of 4 stars; one submission).

Conditions:
Dilated cardiomyopathy 1JJ (CMD1JJ). Identifiers: Orphanet 154, MedGen C3808935, MONDO:0014095, OMIM 615235.

Submission:

Labcorp Genetics (formerly Invitae), Labcorp
Classification: Uncertain significance for Dilated cardiomyopathy 1JJ. Last evaluated: 2025-08-11. Review status: criteria provided, single submitter. Criteria: Invitae Variant Classification Sherloc (09022015). Collection method: clinical testing. Allele origin: germline.
Comment: This sequence change replaces alanine, which is neutral and non-polar, with isoleucine, which is neutral and non-polar, at codon 1076 of the LAMA4 protein (p.Ala1076Ile). This variant is present in population databases (no rsID available, gnomAD 0.0004%). This variant has not been reported in the literature in individuals affected with LAMA4-related conditions. An algorithm developed to predict the effect of missense changes on protein structure and function (PolyPhen-2) suggests that this variant is likely to be tolerated. In summary, the available evidence is currently insufficient to determine the role of this variant in disease. Therefore, it has been classified as a Variant of Uncertain Significance.